The following is an entry in ClinVar:

ClinVar aggregate classification (germline): Uncertain significance (1 of 4 stars; one submission).

Conditions:
2-aminoadipic 2-oxoadipic aciduria (AAKAD). Also called: Aminoadipic aciduria; ALPHA-AMINOADIPIC AND ALPHA-KETOADIPIC ACIDURIA. Identifiers: Orphanet 79154, MedGen C1859817, MONDO:0008774, OMIM 204750.

Allele frequency attached by ClinVar (database versions not stated): gnomAD 0.00001; gnomAD exomes 0.00001; TOPMed 0.00001; ExAC 0.00002.

Submission:

Labcorp Genetics (formerly Invitae), Labcorp
Classification: Uncertain significance for 2-aminoadipic 2-oxoadipic aciduria. Last evaluated: 2023-04-09. Review status: criteria provided, single submitter. Criteria: Invitae Variant Classification Sherloc (09022015). Collection method: clinical testing. Allele origin: germline.
Comment: In summary, the available evidence is currently insufficient to determine the role of this variant in disease. Therefore, it has been classified as a Variant of Uncertain Significance. Advanced modeling of protein sequence and biophysical properties (such as structural, functional, and spatial information, amino acid conservation, physicochemical variation, residue mobility, and thermodynamic stability) performed at Invitae indicates that this missense variant is not expected to disrupt DHTKD1 protein function. This variant has not been reported in the literature in individuals affected with DHTKD1-related conditions. This variant is present in population databases (rs377037358, gnomAD 0.003%). This sequence change replaces valine, which is neutral and non-polar, with isoleucine, which is neutral and non-polar, at codon 261 of the DHTKD1 protein (p.Val261Ile).

NM_018706.7(DHTKD1):c.781G>A (p.Val261Ile)

Gene: DHTKD1 (dehydrogenase E1 and transketolase domain containing 1; plus strand). Cytogenetic location: 10p14.
Variant type: single nucleotide variant.
Coding change: c.781G>A on transcript NM_018706.7 (MANE Select); coding-DNA position 781, G replaced by A.
Protein change: p.Val261Ile; replaces valine 261 with isoleucine.
Molecular consequence: missense variant.
Genome position (GRCh38, 1-based): chr10:12,089,049, G>A. VCF-style: chr10-12089049-G-A. GRCh37 (hg19) VCF-style: chr10-12131048-G-A.
Other names: short protein forms V261I.
Identifiers: ClinVar variation 2969512 (VCV002969512.3), dbSNP rs377037358, ClinGen allele CA5407648.
Genomic context (GRCh38, chr10:12,089,049, plus strand): 5'-ATGTTCCGTAAAATGCGAGGCTTAAGTGAATTTCCAGAGAATTTCTCAGCCACTGGAGAC[G>A]TCCTGTCTCACCTGACCTCCTCTGTGGACCTGTACTTTGGGGCGCACCATCCCCTCCATG-3'
Protein context (NP_061176.4, residues 251-271): FPENFSATGD[Val261Ile]LSHLTSSVDL